The following is an entry in ClinVar:

ClinVar aggregate classification (germline): Pathogenic (1 of 4 stars; one submission).

Submission:

Labcorp Genetics (formerly Invitae), Labcorp
Classification: Pathogenic. Last evaluated: 2024-09-03. Review status: criteria provided, single submitter. Criteria: Invitae Variant Classification Sherloc (09022015). Collection method: clinical testing. Allele origin: germline.
Comment: This sequence change creates a premature translational stop signal (p.His418Ilefs*11) in the PLS3 gene. It is expected to result in an absent or disrupted protein product. Loss-of-function variants in PLS3 are known to be pathogenic (PMID: 24088043, 30405713, 33166085). This variant is not present in population databases (gnomAD no frequency). This variant has not been reported in the literature in individuals affected with PLS3-related conditions. For these reasons, this variant has been classified as Pathogenic.

Literature cited by the submitters: PubMed 24088043; PubMed 30405713; PubMed 33166085.

NM_005032.7(PLS3):c.1252del (p.His418fs)

Gene: PLS3 (plastin 3; plus strand). Cytogenetic location: Xq23.
Variant type: Deletion.
Coding change: c.1252del on transcript NM_005032.7 (MANE Select); coding-DNA position 1252, one base deleted (C; older notation c.1252delC).
Protein change: p.His418fs; shifts the reading frame from histidine 418.
Molecular consequence: frameshift variant.
Genome position (GRCh38, 1-based): chrX:115,645,089, C deleted; the last of 2 consecutive C bases (chrX:115,645,088-115,645,089); deleting either gives the same sequence. VCF-style (leftmost placement, unchanged base first): chrX-115645087-AC-A. GRCh37 (hg19) VCF-style: chrX-114879407-AC-A.
Other names: c.1252del, p.His418fs (NM_001136025.5); c.1171del, p.His391fs (NM_001172335.3); c.1213del, p.His405fs (NM_001282337.2); c.1117del, p.His373fs (NM_001282338.2); short protein forms H373fs, H391fs, H405fs, H418fs.
Identifiers: ClinVar variation 3664413 (VCV003664413.2).
Genomic context (GRCh38, chrX:115,645,087, plus strand): 5'-CTCGTGAAGAAAGAACCTTCCGTAACTGGATGAACTCTCTTGGTGTCAATCCTCACGTAA[AC>A]CATCTCTATGCGTAAGCCTTCCTACTGCTATTGTAAACAGTTACGAATGTCATGAATGGA-3'